The following is an entry in ClinVar:

ClinVar aggregate classification (germline): Uncertain significance (1 of 4 stars; one submission).

gnomAD v4.1: 1 of 1,613,610 alleles (0.000062%); highest among the groups gnomAD compares: Non-Finnish European, 0.000085%; no homozygotes.

Submission:

GeneDx
Classification: Uncertain significance. Last evaluated: 2024-12-17. Review status: criteria provided, single submitter. Criteria: GeneDx Variant Classification Process June 2021. Collection method: clinical testing. Allele origin: germline. Affected: yes.
Comment: Not observed at significant frequency in large population cohorts (gnomAD); In silico analysis supports that this missense variant has a deleterious effect on protein structure/function; Has not been previously published as pathogenic or benign to our knowledge

NM_015057.5(MYCBP2):c.8501C>T (p.Pro2834Leu)

Gene: MYCBP2 (MYC binding protein 2; minus strand). Cytogenetic location: 13q22.3.
Variant type: single nucleotide variant.
Coding change: c.8501C>T on transcript NM_015057.5 (MANE Select); coding-DNA position 8501, C replaced by T.
Protein change: p.Pro2834Leu; replaces proline 2834 with leucine.
Molecular consequence: missense variant.
Genome position (GRCh38, 1-based): chr13:77,098,653, G>A on the plus strand (C>T on the coding strand, the complement: MYCBP2 is on the minus strand). VCF-style: chr13-77098653-G-A. GRCh37 (hg19) VCF-style: chr13-77672788-G-A.
Other names: short protein forms P2834L.
Identifiers: ClinVar variation 3906770 (VCV003906770.1).
Genomic context (GRCh38, chr13:77,098,653, plus strand): 5'-CTTTTTTGAGGTAGATTTTTATCATGTGGTGAGGAGGAGCGTGGAGAACTAGCACCCGAT[G>A]GGCTAGACCTATTGGCTGGGAGAGTCTTTGGCTTAGGAGATGACAACCGAGAACCTGGTC-3'
Protein context (NP_055872.4, residues 2824-2844): PKTLPANRSS[Pro2834Leu]SGASSPRSSS